The following is an entry in ClinVar:

ClinVar aggregate classification (germline): Uncertain significance (1 of 4 stars; one submission).

Conditions:
Salla disease (SD). Also called: Sialuria, Finnish type; N-acetylneuraminic acid (NANA) storage disease (NSD); Infantile sialic acid storage disorder (ISSD); Less Severe FSASD (Salla Disease). Identifiers: Orphanet 309334, Orphanet 834, MedGen C1096903, MONDO:0011449, OMIM 604369.

Allele frequency attached by ClinVar (database versions not stated): TOPMed below 0.00001; gnomAD 0.00001; gnomAD exomes 0.00001 and 0.00002; ExAC 0.00003.
gnomAD v4.1: 9 of 1,608,314 alleles (0.00056%); highest among the groups gnomAD compares: African/African-American, 0.0013%; no homozygotes.

Submission:

Labcorp Genetics (formerly Invitae), Labcorp
Classification: Uncertain significance for Salla disease. Last evaluated: 2021-08-27. Review status: criteria provided, single submitter. Criteria: Invitae Variant Classification Sherloc (09022015). Collection method: clinical testing. Allele origin: germline.
Comment: This sequence change replaces tyrosine with asparagine at codon 421 of the SLC17A5 protein (p.Tyr421Asn). The tyrosine residue is highly conserved and there is a large physicochemical difference between tyrosine and asparagine. This variant is present in population databases (rs775750187, ExAC 0.005%). This variant has not been reported in the literature in individuals affected with SLC17A5-related conditions. Algorithms developed to predict the effect of missense changes on protein structure and function are either unavailable or do not agree on the potential impact of this missense change (SIFT: "Deleterious"; PolyPhen-2: "Probably Damaging"; Align-GVGD: "Class C0"). In summary, the available evidence is currently insufficient to determine the role of this variant in disease. Therefore, it has been classified as a Variant of Uncertain Significance.

NM_012434.5(SLC17A5):c.1261T>A (p.Tyr421Asn)

Gene: SLC17A5 (solute carrier family 17 member 5; minus strand). Cytogenetic location: 6q13.
Variant type: single nucleotide variant.
Coding change: c.1261T>A on transcript NM_012434.5 (MANE Select); coding-DNA position 1261, T replaced by A.
Protein change: p.Tyr421Asn; replaces tyrosine 421 with asparagine.
Molecular consequence: missense variant.
Genome position (GRCh38, 1-based): chr6:73,600,440, A>T on the plus strand (T>A on the coding strand, the complement: SLC17A5 is on the minus strand). VCF-style: chr6-73600440-A-T. GRCh37 (hg19) VCF-style: chr6-74310163-A-T.
Other names: short protein forms Y421N.
Identifiers: ClinVar variation 863775 (VCV000863775.7), dbSNP rs775750187, ClinGen allele CA3890299.
Genomic context (GRCh38, chr6:73,600,440, plus strand): 5'-GCCCAACCATTCCTGGAATAGTGGCAAATGTATTTGTGATGCCCAGGAGGATACCAGCAT[A>T]CCTGTAGAAACATTTTCATAGACGTTTATTATTGTGATACACATTTAAACAGCTTCATTC-3'
Protein context (NP_036566.1, residues 411-431): SINHLDIAPS[Tyr421Asn]AGILLGITNT